The following is an entry in ClinVar:

ClinVar aggregate classification (germline): Uncertain significance (1 of 4 stars; one submission).

Submission:

Labcorp Genetics (formerly Invitae), Labcorp
Classification: Uncertain significance. Last evaluated: 2021-09-24. Review status: criteria provided, single submitter. Criteria: Invitae Variant Classification Sherloc (09022015). Collection method: clinical testing. Allele origin: germline.
Comment: In summary, the available evidence is currently insufficient to determine the role of this variant in disease. Therefore, it has been classified as a Variant of Uncertain Significance. This sequence change replaces valine with methionine at codon 23 of the ASRGL1 protein (p.Val23Met). The valine residue is moderately conserved and there is a small physicochemical difference between valine and methionine. This variant is not present in population databases (ExAC no frequency). This variant has not been reported in the literature in individuals affected with ASRGL1-related conditions. Algorithms developed to predict the effect of missense changes on protein structure and function output the following: SIFT: "Tolerated"; PolyPhen-2: "Benign"; Align-GVGD: "Class C0". The methionine amino acid residue is found in multiple mammalian species, which suggests that this missense change does not adversely affect protein function.

NM_001083926.2(ASRGL1):c.67G>A (p.Val23Met)

Gene: ASRGL1 (asparaginase and isoaspartyl peptidase 1; plus strand). Cytogenetic location: 11q12.3.
Variant type: single nucleotide variant.
Coding change: c.67G>A on transcript NM_001083926.2 (MANE Select); coding-DNA position 67, G replaced by A.
Protein change: p.Val23Met; replaces valine 23 with methionine.
Molecular consequence: missense variant.
Genome position (GRCh38, 1-based): chr11:62,338,044, G>A. VCF-style: chr11-62338044-G-A. GRCh37 (hg19) VCF-style: chr11-62105516-G-A.
Other names: c.67G>A, p.Val23Met (NM_025080.4); short protein forms V23M.
Identifiers: ClinVar variation 1382875 (VCV001382875.6), dbSNP rs2134556097, ClinGen allele CA380863356.
Genomic context (GRCh38, chr11:62,338,044, plus strand): 5'-CCCATCGTAGTGGTCCACGGCGGCGGAGCCGGTCCCATCTCCAAGGATCGGAAGGAGCGA[G>A]TGCACCAGGGCATGGTCAGAGCCGCCACCGTGGGCTACGGCATCCTCCGGGAGGGCGGGA-3'
Protein context (NP_001077395.1, residues 13-33): GPISKDRKER[Val23Met]HQGMVRAATV